The following is an entry in ClinVar:

NM_020975.6(RET):c.2288A>T (p.Asn763Ile)

Gene: RET (ret proto-oncogene; plus strand). Cytogenetic location: 10q11.21.
Variant type: single nucleotide variant.
Coding change: c.2288A>T on transcript NM_020975.6 (MANE Select); coding-DNA position 2288, A replaced by T.
Protein change: p.Asn763Ile; replaces asparagine 763 with isoleucine.
Molecular consequence: missense variant.
Genome position (GRCh38, 1-based): chr10:43,118,376, A>T. VCF-style: chr10-43118376-A-T. GRCh37 (hg19) VCF-style: chr10-43613824-A-T.
Other names: c.2288A>T, p.Asn763Ile (NM_000323.2, NM_001406743.1, NM_001406744.1 and 4 more transcripts); c.1526A>T, p.Asn509Ile (NM_001355216.2); c.2159A>T, p.Asn720Ile (NM_001406761.1, NM_001406762.1, NM_001406764.1); c.2153A>T, p.Asn718Ile (NM_001406763.1, NM_001406765.1); c.2000A>T, p.Asn667Ile (NM_001406766.1, NM_001406767.1, NM_001406770.1); c.2024A>T, p.Asn675Ile (NM_001406768.1); c.1892A>T, p.Asn631Ile (NM_001406769.1, NM_001406772.1); c.1850A>T, p.Asn617Ile (NM_001406771.1, NM_001406773.1); and 10 more; short protein forms N763I, N509I, N328I, N419I, N433I, N464I, N521I, N617I.
Identifiers: ClinVar variation 41840 (VCV000041840.18), dbSNP rs199882293, ClinGen allele CA008624.

ClinVar aggregate classification (germline): Uncertain significance. Review status: criteria provided, multiple submitters, no conflicts (2 of 4 stars). 4 submissions from 4 submitters: Uncertain significance (3). 1 of the submissions does not count toward it. Last evaluated 2025-11-13.

Conditions:
Hereditary cancer-predisposing syndrome. Also called: Hereditary neoplastic syndrome; Neoplastic Syndromes, Hereditary; Hereditary Cancer Syndrome; Tumor predisposition. Identifiers: Orphanet 140162, MedGen C0027672, MeSH D009386, MONDO:0015356.
Multiple endocrine neoplasia, type 2 (MEN2). Identifiers: Orphanet 653, MedGen C4048306, MONDO:0019003. Disease mechanism: gain of function.

Allele frequency attached by ClinVar (database versions not stated): ExAC 0.00001; gnomAD 0.00001; gnomAD exomes 0.00001 and 0.00003; TOPMed 0.00001.

Submissions (4):

Labcorp Genetics (formerly Invitae), Labcorp
Classification: Uncertain significance for Multiple endocrine neoplasia, type 2. Last evaluated: 2025-11-13. Review status: criteria provided, single submitter. Criteria: Invitae Variant Classification Sherloc (09022015). Collection method: clinical testing. Allele origin: germline.
Comment: This sequence change replaces asparagine, which is neutral and polar, with isoleucine, which is neutral and non-polar, at codon 763 of the RET protein (p.Asn763Ile). This variant is present in population databases (rs199882293, gnomAD 0.003%). This variant has not been reported in the literature in individuals affected with RET-related conditions. ClinVar contains an entry for this variant (Variation ID: 41840). An algorithm developed to predict the effect of missense changes on protein structure and function (PolyPhen-2) suggests that this variant is likely to be disruptive. In summary, the available evidence is currently insufficient to determine the role of this variant in disease. Therefore, it has been classified as a Variant of Uncertain Significance.

Ambry Genetics
Classification: Uncertain significance for Hereditary cancer-predisposing syndrome. Last evaluated: 2025-04-28. Review status: criteria provided, single submitter. Criteria: Ambry Variant Classification Scheme 2023. Collection method: clinical testing. Allele origin: germline.
Comment: The p.N763I variant (also known as c.2288A>T), located in coding exon 13 of the RET gene, results from an A to T substitution at nucleotide position 2288. The asparagine at codon 763 is replaced by isoleucine, an amino acid with dissimilar properties. In one study examining physicochemical properties (changes in size, charge, polarity and hydrophobicity) and protein accessibility, this alteration is predicted to be neutral (George Priya Doss C et al. Mol Biosyst 2014 Mar; 10(3):421-36). This amino acid position is well conserved in available vertebrate species. In addition, the in silico prediction for this alteration is inconclusive. Based on data from gnomAD, the frequency for this variant is above the maximum credible frequency for a disease-causing variant in association with MEN2 based on internally established thresholds (Karczewski et al. Nature. 2020 May;581(7809):434-443; Whiffin et al. Genet Med. 2017 10;19:1151-1158). Based on the supporting evidence, the association of this alteration with Hirschsprung disease is unknown; however, the association of this alteration with MEN2 is unlikely.

All of Us Research Program, National Institutes of Health
Classification: Uncertain significance for Multiple endocrine neoplasia, type 2. Last evaluated: 2024-03-05. Review status: criteria provided, single submitter. Criteria: ACMG Guidelines, 2015. Collection method: clinical testing. Allele origin: germline. Inheritance: Autosomal dominant inheritance. Observed: 5 variant alleles, 5 heterozygotes.
Comment: This missense variant replaces asparagine with isoleucine at codon 763 of the RET protein. Computational prediction is inconclusive regarding the impact of this variant on protein structure and function (internally defined REVEL score threshold 0.5 < inconclusive < 0.7, PMID: 27666373). To our knowledge, functional studies have not been reported for this variant. This variant has not been reported in individuals affected with RET-related cancer in the literature. This variant has been identified in 3/251022 chromosomes in the general population by the Genome Aggregation Database (gnomAD). The available evidence is insufficient to determine the role of this variant in disease conclusively. Therefore, this variant is classified as a Variant of Uncertain Significance.

This study involves interpretation of variants in research participants for the purpose of population health screening. Participant phenotype was not available at the time of variant classification. Additional details can be found in publication PMID: 35346344, PMCID: PMC8962531

Biesecker Lab/Clinical Genomics Section, National Institutes of Health
Classification: Uncertain significance. Last evaluated: 2012-07-13. Review status: no assertion criteria provided. Collection method: research. Allele origin: germline. Affected: no. Observed: 1 variant allele. Study: ClinSeq. Not counted in ClinVar's aggregate classification.
ClinVar note: Converted during submission from variant of unknown significance to Uncertain significance.

Literature cited by the submitters: PubMed 24336963 (cited by Ambry Genetics).